The following is an entry in ClinVar:

NM_000518.5(HBB):c.271G>T (p.Glu91Ter)

Genes: HBB (hemoglobin subunit beta; minus strand), LOC106099062 (HBB recombination region; plus strand), LOC107133510 (origin of replication at HBB; plus strand). Cytogenetic location: 11p15.4.
Variant type: single nucleotide variant.
Coding change: c.271G>T on transcript NM_000518.5 (MANE Select); coding-DNA position 271, G replaced by T.
Protein change: p.Glu91Ter; replaces glutamic acid 91 with a stop codon.
Molecular consequence: nonsense.
Genome position (GRCh38, 1-based): chr11:5,226,621, C>A on the plus strand (G>T on the coding strand, the complement: HBB is on the minus strand). VCF-style: chr11-5226621-C-A. GRCh37 (hg19) VCF-style: chr11-5247851-C-A.
Other names: E90*; CD 90 GAG>TAG; short protein forms E91*.
Identifiers: ClinVar variation 15504 (VCV000015504.10), dbSNP rs33913712, ClinGen allele CA125368.
Genomic context (GRCh38, chr11:5,226,621, plus strand): 5'-CGTCCCATAGACTCACCCTGAAGTTCTCAGGATCCACGTGCAGCTTGTCACAGTGCAGCT[C>A]ACTCAGTGTGGCAAAGGTGCCCTTGAGGTTGTCCAGGTGAGCCAGGCCATCACTAAAGGC-3'

ClinVar aggregate classification (germline): Pathogenic. Review status: criteria provided, multiple submitters, no conflicts (2 of 4 stars). 5 submissions from 5 submitters: Pathogenic (2). 3 of the submissions do not count toward it. Last evaluated 2022-11-23.

Conditions:
Beta zero thalassemia. Identifiers: MedGen C0271980.
beta Thalassemia (BTHAL). Also called: Cooley's anemia; Erythroblastic anemia; Mediterranean anemia. Identifiers: Orphanet 848, MedGen C0005283, MONDO:0019402. Disease mechanism: loss of function.

Submissions (5):

Labcorp Genetics (formerly Invitae), Labcorp
Classification: Pathogenic. Last evaluated: 2022-11-23. Review status: criteria provided, single submitter. Criteria: Invitae Variant Classification Sherloc (09022015). Collection method: clinical testing. Allele origin: germline.
Comment: This variant disrupts a region of the HBB protein in which other variant(s) (p.Val127Glufs*8) have been determined to be pathogenic (PMID: 8535446, 31190580). This suggests that this is a clinically significant region of the protein, and that variants that disrupt it are likely to be disease-causing. ClinVar contains an entry for this variant (Variation ID: 15504). This variant is also known as codon 90 (GAG to TAG). This premature translational stop signal has been observed in individual(s) with clinical features of HBB-related conditions (PMID: 1517109, 2214342, 8091935, 31934147). This variant is not present in population databases (gnomAD no frequency). This sequence change creates a premature translational stop signal (p.Glu91*) in the HBB gene. While this is not anticipated to result in nonsense mediated decay, it is expected to disrupt the last 57 amino acid(s) of the HBB protein. For these reasons, this variant has been classified as Pathogenic.

Women's Health and Genetics/Laboratory Corporation of America, LabCorp
Classification: Pathogenic for beta Thalassemia. Last evaluated: 2021-07-23. Review status: criteria provided, single submitter. Criteria: LabCorp Variant Classification Summary - May 2015. Collection method: clinical testing. Allele origin: germline.
Comment: Variant summary: HBB c.271G>T (p.Glu91X) results in a premature termination codon, predicted to cause a truncation of the encoded protein or absence of the protein due to nonsense mediated decay, which are commonly known mechanisms for disease. Truncations downstream of this position have been classified as pathogenic by our laboratory. The variant was absent in 251422 control chromosomes. c.271G>T has been reported in the literature in multiple individuals affected with Beta Thalassemia with features resembling those of beta-thal minor and characteristic hematological findings (example, Fucharoen_1990, Nomura_1990, Hattori_1992). These data indicate that the variant is very likely to be associated with disease. One database (ITHANET) has submitted clinical-significance assessments for this variant to ClinVar after 2014 and classified the variant as pathogenic. Based on the evidence outlined above, the variant was classified as pathogenic.

The ITHANET community portal, The Cyprus Institute of Neurology and Genetics
Classification: Pathogenic for beta Thalassemia. Last evaluated: 2019-11-25. Review status: no assertion criteria provided. Collection method: curation. Allele origin: germline. Not counted in ClinVar's aggregate classification.

Natera, Inc.
Classification: Pathogenic for Beta thalassemia. Last evaluated: 2017-03-17. Review status: no assertion criteria provided. Collection method: clinical testing. Allele origin: germline. Not counted in ClinVar's aggregate classification.

OMIM
Classification: Pathogenic for BETA-ZERO-THALASSEMIA. Last evaluated: 1992-01-01. Review status: no assertion criteria provided. Collection method: literature only. Allele origin: germline. Not counted in ClinVar's aggregate classification.

Literature cited by the submitters: PubMed 8535446 (cited by Labcorp Genetics (formerly Invitae), Labcorp); PubMed 31190580 (cited by Labcorp Genetics (formerly Invitae), Labcorp); PubMed 1517109 (cited by Labcorp Genetics (formerly Invitae), Labcorp and Women's Health and Genetics/Laboratory Corporation of America, LabCorp); PubMed 2214342 (cited by Labcorp Genetics (formerly Invitae), Labcorp and Women's Health and Genetics/Laboratory Corporation of America, LabCorp); PubMed 8091935 (cited by Labcorp Genetics (formerly Invitae), Labcorp); PubMed 31934147 (cited by Labcorp Genetics (formerly Invitae), Labcorp and Women's Health and Genetics/Laboratory Corporation of America, LabCorp); PubMed 2310691 (cited by Women's Health and Genetics/Laboratory Corporation of America, LabCorp and The ITHANET community portal, The Cyprus Institute of Neurology and Genetics); PubMed 25155404 (cited by Women's Health and Genetics/Laboratory Corporation of America, LabCorp and The ITHANET community portal, The Cyprus Institute of Neurology and Genetics); PubMed 1634368 (cited by The ITHANET community portal, The Cyprus Institute of Neurology and Genetics and OMIM); Harano, T., Harano, K., Ueda, S., Nomura, Y., Nanjo, K., Miyamura, T. Beta-zero-thalassemia due to a nonsense mutation (beta-90 GAG-to-TAG). (Abstract) Acta Haemat. Jpn. 52: 410, 1989. (cited by OMIM).